The following is an entry in ClinVar:

ClinVar aggregate classification (germline): Pathogenic/Likely pathogenic. Review status: criteria provided, multiple submitters, no conflicts (2 of 4 stars). 3 submissions from 3 submitters: Pathogenic (1); Likely pathogenic (1). 1 of the submissions does not count toward it. Last evaluated 2023-11-13.

Conditions:
Arthrogryposis multiplex congenita 6. Identifiers: MedGen C5543431, MONDO:0030281, OMIM 619334.
Nemaline myopathy 2 (NEM2). Also called: Nemaline myopathy 2, autosomal recessive. Identifiers: MedGen C1850569, MONDO:0009725, OMIM 256030.

Submissions (3):

Labcorp Genetics (formerly Invitae), Labcorp
Classification: Pathogenic for Nemaline myopathy 2. Last evaluated: 2023-11-13. Review status: criteria provided, single submitter. Criteria: Invitae Variant Classification Sherloc (09022015). Collection method: clinical testing. Allele origin: germline.
Comment: This sequence change creates a premature translational stop signal (p.Glu8069Serfs*5) in the NEB gene. It is expected to result in an absent or disrupted protein product. Loss-of-function variants in NEB are known to be pathogenic (PMID: 25205138). This variant is not present in population databases (gnomAD no frequency). This variant has not been reported in the literature in individuals affected with NEB-related conditions. ClinVar contains an entry for this variant (Variation ID: 554466). Algorithms developed to predict the effect of sequence changes on RNA splicing suggest that this variant may disrupt the consensus splice site. For these reasons, this variant has been classified as Pathogenic.

Fulgent Genetics
Classification: Likely pathogenic for Nemaline myopathy 2; Arthrogryposis multiplex congenita 6. Last evaluated: 2022-01-07. Review status: criteria provided, single submitter. Criteria: ACMG Guidelines, 2015. Collection method: clinical testing. Allele origin: unknown.

Counsyl
Classification: Likely pathogenic for Nemaline myopathy 2. Last evaluated: 2017-10-19. Review status: no assertion criteria provided. Collection method: clinical testing. Allele origin: unknown. Not counted in ClinVar's aggregate classification.

Literature cited by the submitters: PubMed 25205138 (cited by Labcorp Genetics (formerly Invitae), Labcorp).

NM_001164508.2(NEB):c.24096_24099dup (p.Glu8034fs)

Genes: RIF1 (replication timing regulatory factor 1; plus strand), NEB (nebulin; minus strand). Cytogenetic location: 2q23.3.
Variant type: Duplication.
Coding change: c.24096_24099dup on transcript NM_001164508.2 (MANE Select); coding-DNA positions 24096 to 24099, 4 bases duplicated (TCAA; older notation c.24096_24099dupTCAA).
Protein change: p.Glu8034fs; shifts the reading frame from glutamic acid 8034.
Molecular consequence: frameshift variant. On other transcripts: intron variant (1).
Genome position (GRCh38, 1-based): chr2:151,499,313-151,499,316, TTGA duplicated on the plus strand (TCAA on the coding strand, the reverse complement: NEB is on the minus strand); duplicating any 4 consecutive bases within chr2:151,499,313-151,499,319 gives the same sequence; the c. name uses the placement nearest the transcript's 3' end. VCF-style (leftmost placement, unchanged base first): chr2-151499312-C-CTTGA. GRCh37 (hg19) VCF-style: chr2-152355826-C-CTTGA.
Other names: c.24201_24204dupTCAA (NM_001271208.1); c.24096_24099dup, p.Glu8034fs (NM_001164507.2); c.24201_24204dup, p.Glu8069fs (NM_001271208.2); c.18826-2948_18826-2945dup (NM_004543.5); short protein forms E8069fs, E8034fs.
Identifiers: ClinVar variation 554466 (VCV000554466.6), dbSNP rs1553561211, ClinGen allele CA658821210.
Genomic context (GRCh38, chr2:151,499,312, plus strand): 5'-TAAACATTTTTTTAAATAATTAAAGGGATTTTTTATTTTTAAATACCGAACTAAAGTTTT[C>CTTGA]TTGATTGTGTTTGACTCTCTCCATCTCTGGAGTGATGGGGATTGGAATCCCTTTTCCAAC-3'